The following is an entry in ClinVar:

NM_001172560.3(SSTR5):c.1004C>T (p.Pro335Leu)

Gene: SSTR5 (somatostatin receptor 5; plus strand). Cytogenetic location: 16p13.3.
Variant type: single nucleotide variant.
Coding change: c.1004C>T on transcript NM_001172560.3 (MANE Select); coding-DNA position 1004, C replaced by T.
Protein change: p.Pro335Leu; replaces proline 335 with leucine.
Molecular consequence: missense variant.
Genome position (GRCh38, 1-based): chr16:1,079,872, C>T. VCF-style: chr16-1079872-C-T. GRCh37 (hg19) VCF-style: chr16-1129872-C-T.
Other names: c.1004C>T, p.Pro335Leu (NM_001053.4); short protein forms P335L.
Identifiers: ClinVar variation 1248656 (VCV001248656.3), dbSNP rs169068, ClinGen allele CA7798889.

ClinVar aggregate classification (germline): Benign. Review status: criteria provided, multiple submitters, no conflicts (2 of 4 stars). 2 submissions from 2 submitters: Benign (2). Last evaluated 2020-10-01.

Allele frequency attached by ClinVar (database versions not stated): ESP Exome Variant Server 0.48656; TOPMed 0.49473; gnomAD 0.49727 and 0.50092; 1000 Genomes Project 30x 0.51046; 1000 Genomes Project 0.51817; ExAC 0.53863; gnomAD exomes 0.54153 and 0.54339.

Submissions (2):

GeneDx
Classification: Benign. Last evaluated: 2020-10-01. Review status: criteria provided, single submitter. Criteria: GeneDx Variant Classification Process June 2021. Collection method: clinical testing. Allele origin: germline. Affected: yes.
Comment: This variant is associated with the following publications: (PMID: 21249361)

Breakthrough Genomics
Classification: Benign. Review status: criteria provided, single submitter. Criteria: ACMG Guidelines, 2015. Collection method: not provided. Allele origin: germline. Inheritance: Unknown mechanism. Affected: yes.